The following is an entry in ClinVar:

ClinVar aggregate classification (germline): Uncertain significance (1 of 4 stars; one submission).

Conditions:
Hereditary cancer-predisposing syndrome. Also called: Neoplastic Syndromes, Hereditary; Tumor predisposition; Hereditary Cancer Syndrome; Hereditary neoplastic syndrome. Identifiers: Orphanet 140162, MedGen C0027672, MeSH D009386, MONDO:0015356.

Submission:

Ambry Genetics
Classification: Uncertain significance for Hereditary cancer-predisposing syndrome. Last evaluated: 2025-07-03. Review status: criteria provided, single submitter. Criteria: Ambry Variant Classification Scheme 2023. Collection method: clinical testing. Allele origin: germline.
Comment: The p.E20K variant (also known as c.58G>A), located in coding exon 1 of the SMARCB1 gene, results from a G to A substitution at nucleotide position 58. The glutamic acid at codon 20 is replaced by lysine, an amino acid with similar properties. This amino acid position is conserved. In addition, the in silico prediction for this alteration is inconclusive. Based on the available evidence, the clinical significance of this variant remains unclear.

NM_003073.5(SMARCB1):c.58G>A (p.Glu20Lys)

Gene: SMARCB1 (SWI/SNF related BAF chromatin remodeling complex subunit B1; plus strand). Cytogenetic location: 22q11.23.
Variant type: single nucleotide variant.
Coding change: c.58G>A on transcript NM_003073.5 (MANE Select); coding-DNA position 58, G replaced by A.
Protein change: p.Glu20Lys; replaces glutamic acid 20 with lysine.
Molecular consequence: missense variant.
Genome position (GRCh38, 1-based): chr22:23,787,227, G>A. VCF-style: chr22-23787227-G-A. GRCh37 (hg19) VCF-style: chr22-24129414-G-A.
Other names: c.58G>A, p.Glu20Lys (NM_001317946.2, NM_001362877.2, NM_001007468.3); short protein forms E20K.
Identifiers: ClinVar variation 4170235 (VCV004170235.1).
Genomic context (GRCh38, chr22:23,787,227, plus strand): 5'-GCAATGATGATGATGGCGCTGAGCAAGACCTTCGGGCAGAAGCCCGTGAAGTTCCAGCTG[G>A]AGGACGACGGCGAGTTCTACATGATCGGCTCCGAGGTAGCCCGGGGCGCGTTCTCGCCCT-3'
Protein context (NP_003064.2, residues 10-30): FGQKPVKFQL[Glu20Lys]DDGEFYMIGS